The following is an entry in ClinVar:

NM_004366.6(CLCN2):c.964C>T (p.Pro322Ser)

Gene: CLCN2 (chloride voltage-gated channel 2; minus strand). Cytogenetic location: 3q27.1.
Variant type: single nucleotide variant.
Coding change: c.964C>T on transcript NM_004366.6 (MANE Select); coding-DNA position 964, C replaced by T.
Protein change: p.Pro322Ser; replaces proline 322 with serine.
Molecular consequence: missense variant.
Genome position (GRCh38, 1-based): chr3:184,357,201, G>A on the plus strand (C>T on the coding strand, the complement: CLCN2 is on the minus strand). VCF-style: chr3-184357201-G-A. GRCh37 (hg19) VCF-style: chr3-184074989-G-A.
Other names: c.964C>T, p.Pro322Ser (NM_001171087.3, NM_001171089.3); c.832C>T, p.Pro278Ser (NM_001171088.3); short protein forms P278S, P322S.
Identifiers: ClinVar variation 1526081 (VCV001526081.1), dbSNP rs2108571082, ClinGen allele CA355454076.

ClinVar aggregate classification (germline): Uncertain significance (1 of 4 stars; one submission).

Conditions:
Epilepsy, idiopathic generalized, susceptibility to, 11 (EIG11). Identifiers: Orphanet 307, MedGen C2750893, MONDO:0011875, OMIM 607628.

Submission:

3billion
Classification: Uncertain significance for Epilepsy, idiopathic generalized, susceptibility to, 11. Last evaluated: 2022-03-22. Review status: criteria provided, single submitter. Criteria: ACMG Guidelines, 2015. Collection method: clinical testing. Allele origin: germline. Affected: yes. Observed: 1 heterozygote.
Comment: The variant is not observed in the gnomAD v2.1.1 dataset. In silico tool predictions suggest damaging effect of the variant on gene or gene product (REVEL: 0.913>=0.6, 3CNET: 0.79>=0.75). Therefore, this variant is classified as uncertain significance according to the recommendation of ACMG/AMP guideline.